The following is an entry in ClinVar:

ClinVar aggregate classification (germline): Uncertain significance (1 of 4 stars; one submission).

Conditions:
Jeune thoracic dystrophy. Also called: Jeune syndrome; Infantile thoracic dystrophy; Thoracic pelvic phalangeal dystrophy; Jeune's syndrome; Chondroectodermal dysplasia-like syndrome; Short-rib thoracic dysplasia. Identifiers: Orphanet 474, MedGen C0265275, MONDO:0018770.

Submission:

Labcorp Genetics (formerly Invitae), Labcorp
Classification: Uncertain significance for Jeune thoracic dystrophy. Last evaluated: 2025-12-01. Review status: criteria provided, single submitter. Criteria: Invitae Variant Classification Sherloc (09022015). Collection method: clinical testing. Allele origin: germline.
Comment: This sequence change replaces alanine, which is neutral and non-polar, with valine, which is neutral and non-polar, at codon 111 of the DYNC2H1 protein (p.Ala111Val). This variant is not present in population databases (gnomAD no frequency). This variant has not been reported in the literature in individuals affected with DYNC2H1-related conditions. Invitae Evidence Modeling of protein sequence and biophysical properties (such as structural, functional, and spatial information, amino acid conservation, physicochemical variation, residue mobility, and thermodynamic stability) has been performed for this missense variant. However, the output from this modeling did not meet the statistical confidence thresholds required to predict the impact of this variant on DYNC2H1 protein function. In summary, the available evidence is currently insufficient to determine the role of this variant in disease. Therefore, it has been classified as a Variant of Uncertain Significance.

NM_001377.3(DYNC2H1):c.332C>T (p.Ala111Val)

Gene: DYNC2H1 (dynein cytoplasmic 2 heavy chain 1; plus strand). Cytogenetic location: 11q22.3.
Variant type: single nucleotide variant.
Coding change: c.332C>T on transcript NM_001377.3 (MANE Select); coding-DNA position 332, C replaced by T.
Protein change: p.Ala111Val; replaces alanine 111 with valine.
Molecular consequence: missense variant.
Genome position (GRCh38, 1-based): chr11:103,113,673, C>T. VCF-style: chr11-103113673-C-T. GRCh37 (hg19) VCF-style: chr11-102984402-C-T.
Other names: c.332C>T, p.Ala111Val (NM_001080463.2); short protein forms A111V.
Identifiers: ClinVar variation 4811292 (VCV004811292.1).